The following is an entry in ClinVar:

ClinVar aggregate classification (germline): Uncertain significance (1 of 4 stars; one submission).

Conditions:
Succinate-semialdehyde dehydrogenase deficiency (SSADHD). Also called: 4-HYDROXYBUTYRIC ACIDURIA; GABA METABOLIC DEFECT; Succinic Semialdehyde Dehydrogenase Deficiency; SSADH DEFICIENCY. Identifiers: Orphanet 22, MedGen C0268631, MONDO:0010083, OMIM 271980.

Allele frequency attached by ClinVar (database versions not stated): gnomAD 0.00001; TOPMed 0.00002.
gnomAD v4.1: 5 of 1,533,072 alleles (0.00033%); highest among the groups gnomAD compares: Non-Finnish European, 0.00035%; no homozygotes.

Submission:

Labcorp Genetics (formerly Invitae), Labcorp
Classification: Uncertain significance for Succinate-semialdehyde dehydrogenase deficiency. Last evaluated: 2019-05-31. Review status: criteria provided, single submitter. Criteria: Invitae Variant Classification Sherloc (09022015). Collection method: clinical testing. Allele origin: germline.
Comment: Algorithms developed to predict the effect of missense changes on protein structure and function output the following: SIFT: "Tolerated"; PolyPhen-2: "Benign"; Align-GVGD: "Class C0". The glutamine amino acid residue is found in multiple mammalian species, suggesting that this missense change does not adversely affect protein function. These predictions have not been confirmed by published functional studies and their clinical significance is uncertain. This variant has not been reported in the literature in individuals with ALDH5A1-related conditions. This sequence change replaces glutamic acid with glutamine at codon 107 of the ALDH5A1 protein (p.Glu107Gln). The glutamic acid residue is moderately conserved and there is a small physicochemical difference between glutamic acid and glutamine. The frequency data for this variant in the population databases is considered unreliable, as metrics indicate insufficient coverage at this position in the ExAC database. In summary, the available evidence is currently insufficient to determine the role of this variant in disease. Therefore, it has been classified as a Variant of Uncertain Significance.

NM_001080.3(ALDH5A1):c.319G>C (p.Glu107Gln)

Genes: ALDH5A1 (aldehyde dehydrogenase 5 family member A1; plus strand), LOC129995978 (ATAC-STARR-seq lymphoblastoid silent region 16989; plus strand). Cytogenetic location: 6p22.3.
Variant type: single nucleotide variant.
Coding change: c.319G>C on transcript NM_001080.3 (MANE Select); coding-DNA position 319, G replaced by C.
Protein change: p.Glu107Gln; replaces glutamic acid 107 with glutamine.
Molecular consequence: missense variant.
Genome position (GRCh38, 1-based): chr6:24,495,315, G>C. VCF-style: chr6-24495315-G-C. GRCh37 (hg19) VCF-style: chr6-24495543-G-C.
Other names: c.319G>C, p.Glu107Gln (NM_001368954.1, NM_170740.1); short protein forms E107Q.
Identifiers: ClinVar variation 948814 (VCV000948814.10), dbSNP rs867767856, ClinGen allele CA362968671.
Genomic context (GRCh38, chr6:24,495,315, plus strand): 5'-CTGGGCATGGTAGCCGACTGCGGGGTGCGAGAGGCCCGCGCCGCCGTGCGCGCTGCCTAC[G>C]AGGCTTTCTGCCGCTGGAGGGAGGTCTCCGCCAAGGTGAGAGAGCCCGGATGCAGGGGGC-3'
Protein context (NP_001071.1, residues 97-117): EARAAVRAAY[Glu107Gln]AFCRWREVSA